The following is an entry in ClinVar:

ClinVar aggregate classification (germline): Pathogenic (1 of 4 stars; one submission).

Submission:

GeneDx
Classification: Pathogenic. Last evaluated: 2015-06-16. Review status: criteria provided, single submitter. Criteria: GeneDx Variant Classification (06012015). Collection method: clinical testing. Allele origin: germline. Affected: yes.
Comment: The c.2145+1G>A variant in the CNKSR2 gene has not been reported previously as a pathogenic variant nor as a benign polymorphism, to our knowledge. This splice site variant destroys the canonical splice donor site in intron 19. It is predicted to cause abnormal gene splicing, either leading to an abnormal message that is subject to nonsense-mediated mRNA decay, or to an abnormal protein product if themessage is used for protein translation. The c.2145+1G>A substitution was not observed in approximately 6500 individuals of European and African American ancestry in the NHLBI Exome Sequencing Project, indicating it is not a common benign variant in these populations. We interpret c.2145+1G>A as a pathogenic variant.

NM_014927.5(CNKSR2):c.2145+1G>A

Gene: CNKSR2 (connector enhancer of kinase suppressor of Ras 2; plus strand). Cytogenetic location: Xp22.12.
Variant type: single nucleotide variant.
Coding change: c.2145+1G>A on transcript NM_014927.5 (MANE Select); the canonical splice donor site of the intron after coding-DNA position 2145, G replaced by A.
Molecular consequence: splice donor variant.
Genome position (GRCh38, 1-based): chrX:21,606,880, G>A. VCF-style: chrX-21606880-G-A. GRCh37 (hg19) VCF-style: chrX-21624998-G-A.
Other names: c.2055+1G>A (NM_001168647.3, NM_001330773.2); c.1998+1G>A (NM_001330770.2, NM_001168649.3); c.1908+1G>A (NM_001330772.2, NM_001330771.2); c.2145+1G>A (NM_001168648.3).
Identifiers: ClinVar variation 419218 (VCV000419218.2), dbSNP rs1064793729, ClinGen allele CA16621299.